The following is an entry in ClinVar:

NM_001851.6(COL9A1):c.1089T>C (p.Pro363=)

Gene: COL9A1 (collagen type IX alpha 1 chain; minus strand). Cytogenetic location: 6q13.
Variant type: single nucleotide variant.
Coding change: c.1089T>C on transcript NM_001851.6 (MANE Select); coding-DNA position 1089, T replaced by C.
Protein change: p.Pro363=; no amino-acid change (proline 363 retained).
Molecular consequence: synonymous variant. On other transcripts: non-coding transcript variant (1).
Genome position (GRCh38, 1-based): chr6:70,272,065, A>G on the plus strand (T>C on the coding strand, the complement: COL9A1 is on the minus strand). VCF-style: chr6-70272065-A-G. GRCh37 (hg19) VCF-style: chr6-70981768-A-G.
Other names: c.360T>C, p.Pro120= (NM_001377289.1, NM_001377290.1, NM_078485.4).
Identifiers: ClinVar variation 3680566 (VCV003680566.2).

ClinVar aggregate classification (germline): Uncertain significance (1 of 4 stars; one submission).

gnomAD v4.1: 3 of 1,612,004 alleles (0.00019%); highest among the groups gnomAD compares: Non-Finnish European, 0.00017%; no homozygotes.

Submission:

Labcorp Genetics (formerly Invitae), Labcorp
Classification: Uncertain significance. Last evaluated: 2024-11-18. Review status: criteria provided, single submitter. Criteria: Invitae Variant Classification Sherloc (09022015). Collection method: clinical testing. Allele origin: germline.
Comment: This sequence change affects codon 363 of the COL9A1 mRNA. It is a 'silent' change, meaning that it does not change the encoded amino acid sequence of the COL9A1 protein. It affects a nucleotide within the consensus splice site. This variant is present in population databases (rs781437818, gnomAD 0.0009%). This variant has not been reported in the literature in individuals affected with COL9A1-related conditions. Algorithms developed to predict the effect of sequence changes on RNA splicing suggest that this variant is not likely to affect RNA splicing. In summary, the available evidence is currently insufficient to determine the role of this variant in disease. Therefore, it has been classified as a Variant of Uncertain Significance.